The following is an entry in ClinVar:

ClinVar aggregate classification (germline): Conflicting classifications of pathogenicity. Review status: criteria provided, conflicting classifications (1 of 4 stars). 4 submissions from 3 submitters: Pathogenic (2); Uncertain significance (2). Last evaluated 2023-12-20.

Conditions:
Transitory neonatal diabetes mellitus. Also called: Transient neonatal diabetes mellitus. Identifiers: MedGen C0342273, MONDO:0020525, HP:0008255.
Maturity-onset diabetes of the young (MODY). Also called: Maturity onset diabetes mellitus in young. Identifiers: Orphanet 552, MedGen C0342276, MONDO:0018911, HP:0004904.
Hyperinsulinemic hypoglycemia, familial, 1 (HHF1). Also called: HYPERINSULINISM, FAMILIAL, WITH PANCREATIC NESIDIOBLASTOSIS; HYPOGLYCEMIA, HYPERINSULINEMIC, OF INFANCY; NESIDIOBLASTOSIS OF PANCREAS; Persistent hyperinsulinemic hypoglycemia of infancy; Persistent Hyperinsulinemia Hypoglycemia of Infancy. Identifiers: Orphanet 276575, Orphanet 276598, MedGen C2931832, MONDO:0009734, OMIM 256450.

Submissions (4):

Myriad Genetics, Inc.
Classification: Pathogenic for Hyperinsulinemic hypoglycemia, familial, 1. Last evaluated: 2023-12-20. Review status: criteria provided, single submitter. Criteria: Myriad Autosomal Dominant, Autosomal Recessive and X-Linked Classification Criteria (2023). Collection method: clinical testing. Allele origin: unknown.
Comment: NM_000352.3(ABCC8):c.4151_4152delAG(K1384Ifs*21) is expected to be pathogenic in the context of familial hyperinsulinism, ABCC8-related. This variant is predicted to lead to an abnormal or absent protein product due to the creation of a premature termination codon in ABCC8, a gene where loss-of-function variants are known to be pathogenic. Please note: this variant was assessed in the context of healthy population screening.

Athena Diagnostics
Classification: Pathogenic. Last evaluated: 2017-01-19. Review status: criteria provided, single submitter. Criteria: Athena Diagnostics Criteria. Collection method: clinical testing. Allele origin: germline.

Clinical Genomics, Uppaluri K&H Personalized Medicine Clinic
Classification: Uncertain significance for Transitory neonatal diabetes mellitus. Review status: criteria provided, single submitter. Criteria: K & H Uppaluri Personalized Medicine Clinic Variant Classification & Assertion Criteria_Updated V.1. Collection method: research. Allele origin: somatic. Inheritance: Somatic mutation.
Comment: Mutations in ABCC8 gene are associated with both neonatal diabetes mellitus as well as MODY. Patients with this mutation may have a better response to sulfonylureas. However, no sufficient evidence is found to ascertain the role of this particular variant (rs1554905145 ) in neonatal diabetes yet.

Clinical Genomics, Uppaluri K&H Personalized Medicine Clinic
Classification: Uncertain significance for Maturity-onset diabetes of the young. Review status: criteria provided, single submitter. Criteria: K & H Uppaluri Personalized Medicine Clinic Variant Classification & Assertion Criteria_Updated V.1. Collection method: research. Allele origin: somatic. Inheritance: Somatic mutation.
Comment: Mutations in ABCC8 gene are associated with both neonatal diabetes mellitus as well as MODY. Patients with this mutation may have a better response to sulfonylureas. However, no sufficient evidence is found to ascertain the role of this particular variant ( rs1554905145) in MODY yet.

Literature cited by the submitters: PubMed 20685672 (cited by Athena Diagnostics); PubMed 16885549 (cited by Clinical Genomics, Uppaluri K&H Personalized Medicine Clinic); PubMed 21989597 (cited by Clinical Genomics, Uppaluri K&H Personalized Medicine Clinic); PubMed 27538677 (cited by Clinical Genomics, Uppaluri K&H Personalized Medicine Clinic); PubMed 18981553 (cited by Clinical Genomics, Uppaluri K&H Personalized Medicine Clinic); PubMed 32027066 (cited by Clinical Genomics, Uppaluri K&H Personalized Medicine Clinic); PubMed 16613899 (cited by Clinical Genomics, Uppaluri K&H Personalized Medicine Clinic); PubMed 18025408 (cited by Clinical Genomics, Uppaluri K&H Personalized Medicine Clinic); PubMed 32792356 (cited by Clinical Genomics, Uppaluri K&H Personalized Medicine Clinic).

NM_000352.6(ABCC8):c.4151_4152del (p.Lys1384fs)

Gene: ABCC8 (ATP binding cassette subfamily C member 8; minus strand). Cytogenetic location: 11p15.1.
Variant type: Deletion.
Coding change: c.4151_4152del on transcript NM_000352.6 (MANE Select); coding-DNA positions 4151 to 4152, 2 bases deleted (AG; older notation c.4151_4152delAG).
Protein change: p.Lys1384fs; shifts the reading frame from lysine 1384.
Molecular consequence: frameshift variant. On other transcripts: non-coding transcript variant (1).
Genome position (GRCh38, 1-based): chr11:17,395,898-17,395,899, CT deleted on the plus strand (AG on the coding strand, the reverse complement: ABCC8 is on the minus strand). VCF-style (leftmost placement, unchanged base first): chr11-17395897-ACT-A. GRCh37 (hg19) VCF-style: chr11-17417444-ACT-A.
Other names: c.4154_4155del, p.Lys1385fs (NM_001287174.3); c.4217_4218del, p.Lys1406fs (NM_001351295.2); c.4151_4152del, p.Lys1384fs (NM_001351296.2); c.4148_4149del, p.Lys1383fs (NM_001351297.2); short protein forms K1383fs, K1384fs, K1406fs, K1385fs.
Identifiers: ClinVar variation 446773 (VCV000446773.3), dbSNP rs1554905145, ClinGen allele CA658658031.